The following is an entry in ClinVar:

NM_014264.5(PLK4):c.863C>T (p.Ala288Val)

Gene: PLK4 (polo like kinase 4; plus strand). Cytogenetic location: 4q28.1.
Variant type: single nucleotide variant.
Coding change: c.863C>T on transcript NM_014264.5 (MANE Select); coding-DNA position 863, C replaced by T.
Protein change: p.Ala288Val; replaces alanine 288 with valine.
Molecular consequence: missense variant.
Genome position (GRCh38, 1-based): chr4:127,886,233, C>T. VCF-style: chr4-127886233-C-T. GRCh37 (hg19) VCF-style: chr4-128807388-C-T.
Other names: c.767C>T, p.Ala256Val (NM_001190799.2); c.740C>T, p.Ala247Val (NM_001190801.2); short protein forms A247V, A288V, A256V.
Identifiers: ClinVar variation 1445231 (VCV001445231.8), dbSNP rs2148817960, ClinGen allele CA358151048.

ClinVar aggregate classification (germline): Uncertain significance (1 of 4 stars; one submission).

Submission:

Labcorp Genetics (formerly Invitae), Labcorp
Classification: Uncertain significance. Last evaluated: 2022-03-02. Review status: criteria provided, single submitter. Criteria: Invitae Variant Classification Sherloc (09022015). Collection method: clinical testing. Allele origin: germline.
Comment: In summary, the available evidence is currently insufficient to determine the role of this variant in disease. Therefore, it has been classified as a Variant of Uncertain Significance. Algorithms developed to predict the effect of missense changes on protein structure and function are either unavailable or do not agree on the potential impact of this missense change (SIFT: "Deleterious"; PolyPhen-2: "Probably Damaging"; Align-GVGD: "Class C0"). This sequence change replaces alanine, which is neutral and non-polar, with valine, which is neutral and non-polar, at codon 288 of the PLK4 protein (p.Ala288Val). This variant is not present in population databases (gnomAD no frequency). This variant has not been reported in the literature in individuals affected with PLK4-related conditions.